The following is an entry in ClinVar:

ClinVar aggregate classification (germline): other (0 of 4 stars; one submission).

Conditions:
Familial colorectal cancer. Identifiers: MedGen CN280943, MONDO:0023113. Disease mechanism: loss of function.

Submission:

Systems Biology Platform Zhejiang California International NanoSystems Institute
Classification: other for Familial colorectal cancer. Review status: no assertion criteria provided. Collection method: not provided. Allele origin: unknown.
ClinVar note: Converted during submission from cancer to other.

NM_000038.6(APC):c.185C>T (p.Ser62Phe)

Gene: APC (APC regulator of WNT signaling pathway; plus strand). Cytogenetic location: 5q22.2.
Variant type: single nucleotide variant.
Coding change: c.185C>T on transcript NM_000038.6 (MANE Select); coding-DNA position 185, C replaced by T.
Protein change: p.Ser62Phe; replaces serine 62 with phenylalanine.
Molecular consequence: missense variant. On other transcripts: 5 prime UTR variant (1).
Genome position (GRCh38, 1-based): chr5:112,766,375, C>T. VCF-style: chr5-112766375-C-T. GRCh37 (hg19) VCF-style: chr5-112102072-C-T.
Other names: c.185C>T, p.Ser62Phe (NM_001127510.3, NM_001354895.2, NM_001354896.2 and 2 more transcripts); c.215C>T, p.Ser72Phe (NM_001127511.3, NM_001354897.2, NM_001354902.2); c.110C>T, p.Ser37Phe (NM_001354898.2, NM_001354904.2); c.8C>T, p.Ser3Phe (NM_001354900.2, NM_001354901.2, NM_001354905.2); c.-851C>T (NM_001354906.2); short protein forms S62F, S72F, S3F, S37F.
Identifiers: ClinVar variation 82874 (VCV000082874.2), dbSNP rs74727182, ClinGen allele CA006173.
Genomic context (GRCh38, chr5:112,766,375, plus strand): 5'-CTTTTTAACAGGAAGTACTTAAACAACTACAAGGAAGTATTGAAGATGAAGCTATGGCTT[C>T]TTCTGGACAGATTGATTTATTAGAGCGTCTTAAAGGTAGATTTTAAAAAGGTGTTTTAAA-3'
Protein context (NP_000029.2, residues 52-72): QGSIEDEAMA[Ser62Phe]SGQIDLLERL